The following is an entry in ClinVar:

ClinVar aggregate classification (germline): Conflicting classifications of pathogenicity. Review status: criteria provided, conflicting classifications (1 of 4 stars). 3 submissions from 3 submitters: Uncertain significance (2); Likely benign (1). Last evaluated 2023-08-15.

Conditions:
Inborn genetic diseases. Identifiers: MedGen C0950123, MeSH D030342.

Allele frequency attached by ClinVar (database versions not stated): gnomAD exomes 0.00001; gnomAD 0.00003; TOPMed 0.00003.
gnomAD v4.1: 11 of 1,614,008 alleles (0.00068%); highest among the groups gnomAD compares: Non-Finnish European, 0.00093%; no homozygotes.

Submissions (3):

Ambry Genetics
Classification: Uncertain significance for Inborn genetic diseases. Last evaluated: 2023-08-15. Review status: criteria provided, single submitter. Criteria: Ambry Variant Classification Scheme 2023. Collection method: clinical testing. Allele origin: germline.

GeneDx
Classification: Uncertain significance. Last evaluated: 2023-08-07. Review status: criteria provided, single submitter. Criteria: GeneDx Variant Classification Process June 2021. Collection method: clinical testing. Allele origin: germline.
Comment: Not observed at significant frequency in large population cohorts (gnomAD); In silico analysis supports that this missense variant does not alter protein structure/function; Has not been previously published as pathogenic or benign to our knowledge

CeGaT Center for Human Genetics Tuebingen
Classification: Likely benign. Last evaluated: 2023-01-01. Review status: criteria provided, single submitter. Criteria: CeGaT Center For Human Genetics Tuebingen Variant Classification Criteria Version 2. Collection method: clinical testing. Allele origin: germline. Affected: yes. Observed: 1 variant allele.
Comment: SZT2: BP4

NM_001365999.1(SZT2):c.5687C>T (p.Pro1896Leu)

Gene: SZT2 (SZT2 subunit of KICSTOR complex; plus strand). Cytogenetic location: 1p34.2.
Variant type: single nucleotide variant.
Coding change: c.5687C>T on transcript NM_001365999.1 (MANE Select); coding-DNA position 5687, C replaced by T.
Protein change: p.Pro1896Leu; replaces proline 1896 with leucine.
Molecular consequence: missense variant.
Genome position (GRCh38, 1-based): chr1:43,433,073, C>T. VCF-style: chr1-43433073-C-T. GRCh37 (hg19) VCF-style: chr1-43898744-C-T.
Other names: c.5516C>T, p.Pro1839Leu (NM_015284.4); short protein forms P1839L, P1896L.
Identifiers: ClinVar variation 2413046 (VCV002413046.30), dbSNP rs898518962, ClinGen allele CA21639220.